The following is an entry in ClinVar:

ClinVar aggregate classification (germline): Uncertain significance (1 of 4 stars; one submission).

gnomAD v4.1: 4 of 1,396,640 alleles (0.00029%); highest among the groups gnomAD compares: Non-Finnish European, 0.00037%; no homozygotes.

Submission:

Women's Health and Genetics/Laboratory Corporation of America, LabCorp
Classification: Uncertain significance. Last evaluated: 2026-06-04. Review status: criteria provided, single submitter. Criteria: LabCorp Variant Classification Summary - May 2015. Collection method: clinical testing. Allele origin: germline.
Comment: Variant summary: OBSL1 c.241G>A (p.Val81Ile) results in a conservative amino acid change in the encoded protein sequence. Algorithms developed to predict the effect of missense changes on protein structure and function all suggest that this variant is likely to be tolerated. The variant was absent in 49326 control chromosomes. The available data on variant occurrences in the general population are insufficient to allow any conclusion about variant significance. To our knowledge, no occurrence of c.241G>A in individuals affected with OBSL1-related conditions and no experimental evidence demonstrating its impact on protein function have been reported. No submitters have cited clinical-significance assessments for this variant to ClinVar. Based on the evidence outlined above, the variant was classified as uncertain significance.

NM_015311.3(OBSL1):c.241G>A (p.Val81Ile)

Gene: OBSL1 (obscurin like cytoskeletal adaptor 1; minus strand). Cytogenetic location: 2q35.
Variant type: single nucleotide variant.
Coding change: c.241G>A on transcript NM_015311.3 (MANE Select); coding-DNA position 241, G replaced by A.
Protein change: p.Val81Ile; replaces valine 81 with isoleucine.
Molecular consequence: missense variant.
Genome position (GRCh38, 1-based): chr2:219,570,992, C>T on the plus strand (G>A on the coding strand, the complement: OBSL1 is on the minus strand). VCF-style: chr2-219570992-C-T. GRCh37 (hg19) VCF-style: chr2-220435714-C-T.
Other names: c.241G>A, p.Val81Ile (NM_001173408.2, NM_001173431.2); short protein forms V81I.
Identifiers: ClinVar variation 4887523 (VCV004887523.1).